The following is an entry in ClinVar:

ClinVar aggregate classification (germline): Conflicting classifications of pathogenicity. Review status: criteria provided, conflicting classifications (1 of 4 stars). 3 submissions from 3 submitters: Uncertain significance (2); Likely benign (1). Last evaluated 2023-03-23.

Conditions:
Hereditary cancer-predisposing syndrome. Also called: Hereditary Cancer Syndrome; Hereditary neoplastic syndrome; Neoplastic Syndromes, Hereditary; Tumor predisposition. Identifiers: Orphanet 140162, MedGen C0027672, MeSH D009386, MONDO:0015356.
Hereditary breast ovarian cancer syndrome. Also called: Hereditary breast and ovarian cancer; Breast and ovarian cancer; Hereditary breast and ovarian cancer syndrome; Hereditary breast and/or ovarian cancer syndrome; BRCA1- and BRCA2-Associated Hereditary Breast and Ovarian Cancer; Hereditary breast and ovarian cancer syndrome (HBOC). Identifiers: Orphanet 145, MedGen C0677776, MeSH D061325, MONDO:0003582. Disease mechanism: loss of function.

Submissions (3):

University of Washington Department of Laboratory Medicine, University of Washington
Classification: Likely benign for Hereditary cancer-predisposing syndrome. Last evaluated: 2023-03-23. Review status: criteria provided, single submitter. Criteria: Dines et al. (Genet Med. 2020). Collection method: curation. Allele origin: germline.
Comment: Missense variant in a coldspot region where missense variants are very unlikely to be pathogenic (PMID:31911673).

BRCA2 exon 11 coldspot. Reclassification based on statistical prior probability.

Labcorp Genetics (formerly Invitae), Labcorp
Classification: Uncertain significance for Hereditary breast ovarian cancer syndrome. Last evaluated: 2022-02-18. Review status: criteria provided, single submitter. Criteria: Invitae Variant Classification Sherloc (09022015). Collection method: clinical testing. Allele origin: germline.
Comment: In summary, the available evidence is currently insufficient to determine the role of this variant in disease. Therefore, it has been classified as a Variant of Uncertain Significance. Advanced modeling of protein sequence and biophysical properties (such as structural, functional, and spatial information, amino acid conservation, physicochemical variation, residue mobility, and thermodynamic stability) performed at Invitae indicates that this missense variant is not expected to disrupt BRCA2 protein function. ClinVar contains an entry for this variant (Variation ID: 441332). This variant has not been reported in the literature in individuals affected with BRCA2-related conditions. This variant is not present in population databases (gnomAD no frequency). This sequence change replaces glycine, which is neutral and non-polar, with serine, which is neutral and polar, at codon 1849 of the BRCA2 protein (p.Gly1849Ser).

Ambry Genetics
Classification: Uncertain significance for Hereditary cancer-predisposing syndrome. Last evaluated: 2016-04-26. Review status: criteria provided, single submitter. Criteria: Ambry Variant Classification Scheme 2023. Collection method: clinical testing. Allele origin: germline.
Comment: The p.G1849S variant (also known as c.5545G>A), located in coding exon 10 of the BRCA2 gene, results from a G to A substitution at nucleotide position 5545. The glycine at codon 1849 is replaced by serine, an amino acid with similar properties. This amino acid position is not well conserved in available vertebrate species. In addition, the in silico prediction for this alteration is inconclusive. Since supporting evidence is limited at this time, the clinical significance of this alteration remains unclear.

NM_000059.4(BRCA2):c.5545G>A (p.Gly1849Ser)

Gene: BRCA2 (BRCA2 DNA repair associated; plus strand). Cytogenetic location: 13q13.1.
Variant type: single nucleotide variant.
Coding change: c.5545G>A on transcript NM_000059.4 (MANE Select); coding-DNA position 5545, G replaced by A.
Protein change: p.Gly1849Ser; replaces glycine 1849 with serine.
Molecular consequence: missense variant.
Genome position (GRCh38, 1-based): chr13:32,339,900, G>A. VCF-style: chr13-32339900-G-A. GRCh37 (hg19) VCF-style: chr13-32914037-G-A.
Other names: short protein forms G1849S.
Identifiers: ClinVar variation 441332 (VCV000441332.14), dbSNP rs1555284257, ClinGen allele CA387785944.
Genomic context (GRCh38, chr13:32,339,900, plus strand): 5'-TTGTCCATATCTAATAGTAATAATTTTGAGGTAGGGCCACCTGCATTTAGGATAGCCAGT[G>A]GTAAAATCGTTTGTGTTTCACATGAAACAATTAAAAAAGTGAAAGACATATTTACAGACA-3'
Protein context (NP_000050.3, residues 1839-1859): VGPPAFRIAS[Gly1849Ser]KIVCVSHETI